The following is an entry in ClinVar:

ClinVar aggregate classification (germline): Uncertain significance (1 of 4 stars; one submission).

Conditions:
Neurofibromatosis, type 1 (NF1). Also called: VON RECKLINGHAUSEN DISEASE; Neurofibromatosis, type I; NEUROFIBROMATOSIS, TYPE I, SOMATIC; Peripheral type neurofibromatosis. Identifiers: Orphanet 636, MedGen C0027831, MONDO:0018975, OMIM 162200. Disease mechanism: loss of function.

Submission:

Labcorp Genetics (formerly Invitae), Labcorp
Classification: Uncertain significance for Neurofibromatosis, type 1. Last evaluated: 2025-10-13. Review status: criteria provided, single submitter. Criteria: Invitae Variant Classification Sherloc (09022015). Collection method: clinical testing. Allele origin: germline.
Comment: This sequence change replaces phenylalanine, which is neutral and non-polar, with serine, which is neutral and polar, at codon 199 of the NF1 protein (p.Phe199Ser). This variant is not present in population databases (gnomAD no frequency). This variant has not been reported in the literature in individuals affected with NF1-related conditions. Invitae Evidence Modeling of protein sequence and biophysical properties (such as structural, functional, and spatial information, amino acid conservation, physicochemical variation, residue mobility, and thermodynamic stability) indicates that this missense variant is not expected to disrupt NF1 protein function with a negative predictive value of 95%. In summary, the available evidence is currently insufficient to determine the role of this variant in disease. Therefore, it has been classified as a Variant of Uncertain Significance.

NM_001042492.3(NF1):c.596T>C (p.Phe199Ser)

Gene: NF1 (neurofibromin 1; plus strand). Cytogenetic location: 17q11.2.
Variant type: single nucleotide variant.
Coding change: c.596T>C on transcript NM_001042492.3 (MANE Select); coding-DNA position 596, T replaced by C.
Protein change: p.Phe199Ser; replaces phenylalanine 199 with serine.
Molecular consequence: missense variant.
Genome position (GRCh38, 1-based): chr17:31,181,431, T>C. VCF-style: chr17-31181431-T-C. GRCh37 (hg19) VCF-style: chr17-29508449-T-C.
Other names: c.596T>C, p.Phe199Ser (NM_000267.4, NM_001128147.3); short protein forms F199S.
Identifiers: ClinVar variation 4800703 (VCV004800703.1).
Genomic context (GRCh38, chr17:31,181,431, plus strand): 5'-TTTGTGTTAACTTATTCTAGAGTTAATTTTTAAAAATTGTGTTTTTTCCAGAAACAGCAT[T>C]TAAATTTAAAGCCCTAAAGAAGGTTGCGCAGTTAGCAGTTATAAATAGCCTGGAAAAGGT-3'
Protein context (NP_001035957.1, residues 189-209): KLKRLLKETA[Phe199Ser]KFKALKKVAQ